The following is an entry in ClinVar:

NM_003200.5(TCF3):c.661C>G (p.Leu221Val)

Gene: TCF3 (transcription factor 3; minus strand). Cytogenetic location: 19p13.3.
Variant type: single nucleotide variant.
Coding change: c.661C>G on transcript NM_003200.5 (MANE Select); coding-DNA position 661, C replaced by G.
Protein change: p.Leu221Val; replaces leucine 221 with valine.
Molecular consequence: missense variant.
Genome position (GRCh38, 1-based): chr19:1,622,215, G>C on the plus strand (C>G on the coding strand, the complement: TCF3 is on the minus strand). VCF-style: chr19-1622215-G-C. GRCh37 (hg19) VCF-style: chr19-1622214-G-C.
Other names: c.661C>G, p.Leu221Val (NM_001136139.4, NM_001351778.2, NM_001351779.2); short protein forms L221V.
Identifiers: ClinVar variation 4690443 (VCV004690443.1).

ClinVar aggregate classification (germline): Uncertain significance (1 of 4 stars; one submission).

gnomAD v4.1: 5 of 1,550,976 alleles (0.00032%); highest among the groups gnomAD compares: Non-Finnish European, 0.00043%; no homozygotes.

Submission:

Labcorp Genetics (formerly Invitae), Labcorp
Classification: Uncertain significance. Last evaluated: 2025-04-14. Review status: criteria provided, single submitter. Criteria: Invitae Variant Classification Sherloc (09022015). Collection method: clinical testing. Allele origin: germline.
Comment: This sequence change replaces leucine, which is neutral and non-polar, with valine, which is neutral and non-polar, at codon 221 of the TCF3 protein (p.Leu221Val). This variant is not present in population databases (gnomAD no frequency). This variant has not been reported in the literature in individuals affected with TCF3-related conditions. An algorithm developed to predict the effect of missense changes on protein structure and function (PolyPhen-2) suggests that this variant is likely to be disruptive. In summary, the available evidence is currently insufficient to determine the role of this variant in disease. Therefore, it has been classified as a Variant of Uncertain Significance.